The following is an entry in ClinVar:

ClinVar aggregate classification (germline): Uncertain significance (1 of 4 stars; one submission).

Conditions:
Hereditary sensory and autonomic neuropathy type 6. Also called: Neuropathy, hereditary sensory and autonomic, type VI; HSAN VI. Identifiers: Orphanet 314381, MedGen C3539003, MONDO:0013839, OMIM 614653.
Epidermolysis bullosa simplex 3, localized or generalized intermediate, with BP230 deficiency (EBS3). Also called: Epidermolysis bullosa simplex, autosomal recessive 2; Epidermolysis bullosa simplex due to BP230 deficiency. Identifiers: Orphanet 412181, MedGen C3809470, MONDO:0014180, OMIM 615425.

gnomAD v4.1: 1 of 1,601,512 alleles (0.000062%); highest among the groups gnomAD compares: Non-Finnish European, 0.000085%; no homozygotes.

Submission:

Labcorp Genetics (formerly Invitae), Labcorp
Classification: Uncertain significance for Epidermolysis bullosa simplex 3, localized or generalized intermediate, with BP230 deficiency; Hereditary sensory and autonomic neuropathy type 6. Last evaluated: 2020-06-29. Review status: criteria provided, single submitter. Criteria: Invitae Variant Classification Sherloc (09022015). Collection method: clinical testing. Allele origin: germline.
Comment: In summary, the available evidence is currently insufficient to determine the role of this variant in disease. Therefore, it has been classified as a Variant of Uncertain Significance. Experimental studies and prediction algorithms are not available or were not evaluated, and the functional significance of this variant is currently unknown. This variant has not been reported in the literature in individuals with DST-related conditions. This variant is not present in population databases (ExAC no frequency). This sequence change replaces glutamine with leucine at codon 4998 of the DST protein (p.Gln4998Leu). The glutamine residue is moderately conserved and there is a moderate physicochemical difference between the two amino acids. The DST gene has multiple clinically relevant transcripts. This variant occurs in alternate transcript NM_015548.4, and corresponds to NM_001723.5:c.*151927A>T in the primary transcript.

NM_001374736.1(DST):c.22934A>T (p.Gln7645Leu)

Gene: DST (dystonin; minus strand). Cytogenetic location: 6p12.1.
Variant type: single nucleotide variant.
Coding change: c.22934A>T on transcript NM_001374736.1 (MANE Select); coding-DNA position 22934, A replaced by T.
Protein change: p.Gln7645Leu; replaces glutamine 7645 with leucine.
Molecular consequence: missense variant.
Genome position (GRCh38, 1-based): chr6:56,463,590, T>A on the plus strand (A>T on the coding strand, the complement: DST is on the minus strand). VCF-style: chr6-56463590-T-A. GRCh37 (hg19) VCF-style: chr6-56328388-T-A.
Other names: c.16505A>T, p.Gln5502Leu (NM_001144769.5); c.16091A>T, p.Gln5364Leu (NM_001144770.2); c.22862A>T, p.Gln7621Leu (NM_001374722.1); c.21974A>T, p.Gln7325Leu (NM_001374729.1); c.15716A>T, p.Gln5239Leu (NM_001374730.1); c.22889A>T, p.Gln7630Leu (NM_001374734.1); c.15953A>T, p.Gln5318Leu (NM_001386100.1); c.14993A>T, p.Gln4998Leu (NM_015548.5); and 1 more; short protein forms Q5502L, Q7630L, Q5318L, Q5364L, Q7645L, Q4998L, Q5239L, Q5324L.
Identifiers: ClinVar variation 1036170 (VCV001036170.7), dbSNP rs2094442685, ClinGen allele CA364504761.